The following is an entry in ClinVar:

ClinVar aggregate classification (germline): Uncertain significance (1 of 4 stars; one submission).

Submission:

Labcorp Genetics (formerly Invitae), Labcorp
Classification: Uncertain significance. Last evaluated: 2025-12-15. Review status: criteria provided, single submitter. Criteria: Invitae Variant Classification Sherloc (09022015). Collection method: clinical testing. Allele origin: germline.
Comment: This variant, c.108_116del, results in the deletion of 3 amino acid(s) of the ATP6AP1 protein (p.Ala39_Ala41del), but otherwise preserves the integrity of the reading frame. This variant is not present in population databases (gnomAD no frequency). This variant has not been reported in the literature in individuals affected with ATP6AP1-related conditions. Experimental studies and prediction algorithms are not available or were not evaluated, and the functional significance of this variant is currently unknown. In summary, the available evidence is currently insufficient to determine the role of this variant in disease. Therefore, it has been classified as a Variant of Uncertain Significance.

NM_001183.6(ATP6AP1):c.96GGC[4] (p.Ala39_Ala41del)

Gene: ATP6AP1 (ATPase H+ transporting accessory protein 1; plus strand). Cytogenetic location: Xq28.
Variant type: Microsatellite.
Coding change: c.96GGC[4] on transcript NM_001183.6 (MANE Select); four copies in a row of the 3-base unit GGC starting at c.96; the reference has seven copies in a row; three copies, 9 bases deleted.
Protein change: p.Ala39_Ala41del.
Molecular consequence: inframe deletion.
Genome position (GRCh38, 1-based): chrX:154,428,800-154,428,808, GGCGGCGGC deleted; deleting any 9 consecutive bases within chrX:154,428,788-154,428,808 gives the same sequence; the position shown is the placement nearest the transcript's 3' end. VCF-style (leftmost placement, unchanged base first): chrX-154428787-TGGCGGCGGC-T. GRCh37 (hg19) VCF-style: chrX-153657133-TGGCGGCGGC-T.
Identifiers: ClinVar variation 2968397 (VCV002968397.3), dbSNP rs781797236, ClinGen allele CA519279663.